The following is an entry in ClinVar:

ClinVar aggregate classification (germline): Uncertain significance (1 of 4 stars; one submission).

Allele frequency attached by ClinVar (database versions not stated): ExAC 0.00001.
gnomAD v4.1: 6 of 1,614,164 alleles (0.00037%); highest among the groups gnomAD compares: South Asian, 0.0033%; no homozygotes.

Submission:

Labcorp Genetics (formerly Invitae), Labcorp
Classification: Uncertain significance. Last evaluated: 2022-03-12. Review status: criteria provided, single submitter. Criteria: Invitae Variant Classification Sherloc (09022015). Collection method: clinical testing. Allele origin: germline.
Comment: This sequence change replaces serine, which is neutral and polar, with cysteine, which is neutral and slightly polar, at codon 4291 of the USH2A protein (p.Ser4291Cys). This variant is present in population databases (rs773237799, gnomAD 0.003%). This variant has not been reported in the literature in individuals affected with USH2A-related conditions. Algorithms developed to predict the effect of missense changes on protein structure and function are either unavailable or do not agree on the potential impact of this missense change (SIFT: "Deleterious"; PolyPhen-2: "Possibly Damaging"; Align-GVGD: "Class C15"). In summary, the available evidence is currently insufficient to determine the role of this variant in disease. Therefore, it has been classified as a Variant of Uncertain Significance.

NM_206933.4(USH2A):c.12872C>G (p.Ser4291Cys)

Gene: USH2A (usherin; minus strand). Cytogenetic location: 1q41.
Variant type: single nucleotide variant.
Coding change: c.12872C>G on transcript NM_206933.4 (MANE Select); coding-DNA position 12872, C replaced by G.
Protein change: p.Ser4291Cys; replaces serine 4291 with cysteine.
Molecular consequence: missense variant.
Genome position (GRCh38, 1-based): chr1:215,675,039, G>C on the plus strand (C>G on the coding strand, the complement: USH2A is on the minus strand). VCF-style: chr1-215675039-G-C. GRCh37 (hg19) VCF-style: chr1-215848381-G-C.
Other names: short protein forms S4291C.
Identifiers: ClinVar variation 2175476 (VCV002175476.1), dbSNP rs773237799, ClinGen allele CA1393394.